The following is an entry in ClinVar:

ClinVar aggregate classification (germline): Benign/Likely benign. Review status: criteria provided, multiple submitters, no conflicts (2 of 4 stars). 5 submissions from 5 submitters: Benign (2); Likely benign (3). Last evaluated 2021-06-10.

Conditions:
Holocarboxylase synthetase deficiency. Also called: MULTIPLE CARBOXYLASE DEFICIENCY, EARLY ONSET. Identifiers: Orphanet 79242, MedGen C0268581, MONDO:0009666, OMIM 253270.

Allele frequency attached by ClinVar (database versions not stated): ESP Exome Variant Server 0.02025; gnomAD 0.02028 and 0.02100; TOPMed 0.02148; 1000 Genomes Project 30x 0.02171; 1000 Genomes Project 0.02356; ExAC 0.02775.
gnomAD v4.1: 41,922 of 1,601,814 alleles (2.6%); highest among the groups gnomAD compares: Middle Eastern, 5.1%; 664 homozygotes.

Submissions (5):

Genome-Nilou Lab
Classification: Benign for Holocarboxylase synthetase deficiency. Last evaluated: 2021-06-10. Review status: criteria provided, single submitter. Criteria: ACMG Guidelines, 2015. Collection method: clinical testing. Allele origin: germline. Affected: no.

GeneDx
Classification: Likely benign. Last evaluated: 2018-06-23. Review status: criteria provided, single submitter. Criteria: GeneDx Variant Classification Process June 2021. Collection method: clinical testing. Allele origin: germline. Affected: yes.

Illumina Laboratory Services, Illumina
Classification: Benign for Holocarboxylase synthetase deficiency. Last evaluated: 2018-01-13. Review status: criteria provided, single submitter. Criteria: ICSL Variant Classification Criteria 13 December 2019. Collection method: clinical testing. Allele origin: germline.
Comment: This variant was observed in the ICSL laboratory as part of a predisposition screen in an ostensibly healthy population. It had not been previously curated by ICSL or reported in the Human Gene Mutation Database (HGMD: prior to June 1st, 2018), and was therefore a candidate for classification through an automated scoring system. Utilizing variant allele frequency, disease prevalence and penetrance estimates, and inheritance mode, an automated score was calculated to assess if this variant is too frequent to cause the disease. Based on the score and internal cut-off values, a variant classified as benign is not then subjected to further curation. The score for this variant resulted in a classification of benign for this disease.

Breakthrough Genomics
Classification: Likely benign. Review status: criteria provided, single submitter. Criteria: ACMG Guidelines, 2015. Collection method: not provided. Allele origin: germline. Inheritance: Autosomal recessive inheritance. Affected: yes.

PreventionGenetics, part of Exact Sciences
Classification: Likely benign. Review status: criteria provided, single submitter. Criteria: ACMG Guidelines, 2015. Collection method: clinical testing. Allele origin: germline.

NM_001352514.2(HLCS):c.*40A>G

Gene: HLCS (holocarboxylase synthetase; minus strand). Cytogenetic location: 21q22.13.
Variant type: single nucleotide variant.
Coding change: c.*40A>G on transcript NM_001352514.2 (MANE Select); 40 bases downstream of the stop codon, A replaced by G.
Molecular consequence: 3 prime UTR variant. On other transcripts: non-coding transcript variant (2).
Genome position (GRCh38, 1-based): chr21:36,754,206, T>C on the plus strand (A>G on the coding strand, the complement: HLCS is on the minus strand). VCF-style: chr21-36754206-T-C. GRCh37 (hg19) VCF-style: chr21-38126507-T-C.
Other names: c.*40A>G (NM_000411.8, NM_001242784.3, NM_001242785.2 and 4 more transcripts).
Identifiers: ClinVar variation 256033 (VCV000256033.13), dbSNP rs77014096, ClinGen allele CA10020184.